The following is an entry in ClinVar:

ClinVar aggregate classification (germline): Benign/Likely benign. Review status: criteria provided, multiple submitters, no conflicts (2 of 4 stars). 6 submissions from 6 submitters: Benign (1); Likely benign (4). 1 of the submissions does not count toward it. Last evaluated 2025-07-01.

Conditions:
FMN2-related disorder. Also called: FMN2-related condition.

Allele frequency attached by ClinVar (database versions not stated): gnomAD exomes 0.00039 and 0.00085; ExAC 0.00097; 1000 Genomes Project 30x 0.00172; 1000 Genomes Project 0.00200; ESP Exome Variant Server 0.00277; gnomAD 0.00282 and 0.00307; TOPMed 0.00312.
gnomAD v4.1: 1,018 of 1,614,104 alleles (0.063%); highest among the groups gnomAD compares: African/African-American, 0.98%; 5 homozygotes.

Submissions (6):

CeGaT Center for Human Genetics Tuebingen
Classification: Likely benign. Last evaluated: 2025-07-01. Review status: criteria provided, single submitter. Criteria: CeGaT Center For Human Genetics Tuebingen Variant Classification Criteria Version 2. Collection method: clinical testing. Allele origin: germline. Affected: yes. Observed: 2 variant alleles.
Comment: FMN2: BP4, BP7

Blueprint Genetics
Classification: Likely benign. Last evaluated: 2024-11-19. Review status: criteria provided, single submitter. Criteria: ACMG Guidelines, 2015. Collection method: clinical testing. Allele origin: germline.

Labcorp Genetics (formerly Invitae), Labcorp
Classification: Benign. Last evaluated: 2019-12-31. Review status: criteria provided, single submitter. Criteria: Invitae Variant Classification Sherloc (09022015). Collection method: clinical testing. Allele origin: germline.

Genetic Services Laboratory, University of Chicago
Classification: Likely benign. Last evaluated: 2017-03-31. Review status: criteria provided, single submitter. Criteria: ACMG Guidelines, 2015. Collection method: clinical testing. Allele origin: germline. Affected: no.

Breakthrough Genomics
Classification: Likely benign. Review status: criteria provided, single submitter. Criteria: ACMG Guidelines, 2015. Collection method: not provided. Allele origin: germline. Inheritance: Autosomal recessive inheritance. Affected: yes.

PreventionGenetics, part of Exact Sciences
Classification: Benign for FMN2-related condition. Last evaluated: 2019-10-14. Review status: no assertion criteria provided. Collection method: clinical testing. Allele origin: germline. Not counted in ClinVar's aggregate classification.
Comment: This variant is classified as benign based on ACMG/AMP sequence variant interpretation guidelines (Richards et al. 2015 PMID: 25741868, with internal and published modifications).

NM_020066.5(FMN2):c.531G>A (p.Ser177=)

Gene: FMN2 (formin 2; plus strand). Cytogenetic location: 1q43.
Variant type: single nucleotide variant.
Coding change: c.531G>A on transcript NM_020066.5 (MANE Select); coding-DNA position 531, G replaced by A.
Protein change: p.Ser177=; no amino-acid change (serine 177 retained).
Molecular consequence: synonymous variant.
Genome position (GRCh38, 1-based): chr1:240,092,640, G>A. VCF-style: chr1-240092640-G-A. GRCh37 (hg19) VCF-style: chr1-240255940-G-A.
Other names: c.531G>A, p.Ser177= (NM_001305424.2, NM_001348094.2).
Identifiers: ClinVar variation 435214 (VCV000435214.36), dbSNP rs148480631, ClinGen allele CA1476183.